The following is an entry in ClinVar:

ClinVar aggregate classification (germline): Uncertain significance. Review status: criteria provided, single submitter (1 of 4 stars). 2 submissions from 2 submitters: Uncertain significance (1). 1 of the submissions does not count toward it. Last evaluated 2022-11-07.

Conditions:
MSH6-related disorder. Also called: MSH6-related condition; MSH6-Related disorders.
Hereditary cancer-predisposing syndrome. Also called: Neoplastic Syndromes, Hereditary; Tumor predisposition; Hereditary Cancer Syndrome; Hereditary neoplastic syndrome. Identifiers: Orphanet 140162, MedGen C0027672, MeSH D009386, MONDO:0015356.

Submissions (2):

Ambry Genetics
Classification: Uncertain significance for Hereditary cancer-predisposing syndrome. Last evaluated: 2022-11-07. Review status: criteria provided, single submitter. Criteria: Ambry Variant Classification Scheme 2023. Collection method: clinical testing. Allele origin: germline.
Comment: The p.G409V variant (also known as c.1226G>T), located in coding exon 4 of the MSH6 gene, results from a G to T substitution at nucleotide position 1226. The glycine at codon 409 is replaced by valine, an amino acid with dissimilar properties. This amino acid position is highly conserved in available vertebrate species. In addition, this alteration is predicted to be deleterious by in silico analysis. Since supporting evidence is limited at this time, the clinical significance of this alteration remains unclear.

PreventionGenetics, part of Exact Sciences
Classification: Uncertain significance for MSH6-related condition. Last evaluated: 2024-01-11. Review status: no assertion criteria provided. Collection method: clinical testing. Allele origin: germline. Not counted in ClinVar's aggregate classification.
Comment: The MSH6 c.1226G>T variant is predicted to result in the amino acid substitution p.Gly409Val. To our knowledge, this variant has not been reported in the literature or in a large population database, indicating this variant is rare. This variant is interpreted as uncertain significance in ClinVar. At this time, the clinical significance of this variant is uncertain due to the absence of conclusive functional and genetic evidence.

NM_000179.3(MSH6):c.1226G>T (p.Gly409Val)

Gene: MSH6 (mutS homolog 6; plus strand). Cytogenetic location: 2p16.3.
Variant type: single nucleotide variant.
Coding change: c.1226G>T on transcript NM_000179.3 (MANE Select); coding-DNA position 1226, G replaced by T.
Protein change: p.Gly409Val; replaces glycine 409 with valine.
Molecular consequence: missense variant.
Genome position (GRCh38, 1-based): chr2:47,799,209, G>T. VCF-style: chr2-47799209-G-T. GRCh37 (hg19) VCF-style: chr2-48026348-G-T.
Other names: c.836G>T, p.Gly279Val (NM_001281492.2); c.320G>T, p.Gly107Val (NM_001281493.2, NM_001281494.2, NM_001406811.1 and 6 more transcripts); c.1322G>T, p.Gly441Val (NM_001406795.1, NM_001406802.1); c.1226G>T, p.Gly409Val (NM_001406796.1, NM_001406798.1, NM_001406800.1 and 4 more transcripts); c.929G>T, p.Gly310Val (NM_001406797.1, NM_001406801.1, NM_001406805.1 and 10 more transcripts); c.701G>T, p.Gly234Val (NM_001406799.1, NM_001406806.1, NM_001406807.1); c.1148G>T, p.Gly383Val (NM_001406804.1); c.1232G>T, p.Gly411Val (NM_001406813.1); and 1 more; short protein forms G107V, G279V, G411V, G234V, G310V, G353V, G409V, G383V.
Identifiers: ClinVar variation 1754362 (VCV001754362.5), dbSNP rs2104329429, ClinGen allele CA346743618.